The following is an entry in ClinVar:

ClinVar aggregate classification (germline): Uncertain significance (1 of 4 stars; one submission).

Submission:

GeneDx
Classification: Uncertain significance. Last evaluated: 2024-02-29. Review status: criteria provided, single submitter. Criteria: GeneDx Variant Classification Process June 2021. Collection method: clinical testing. Allele origin: germline. Affected: yes.
Comment: Not observed at significant frequency in large population cohorts (gnomAD); In silico analysis supports that this missense variant has a deleterious effect on protein structure/function; Has not been previously published as pathogenic or benign to our knowledge

NM_006302.3(MOGS):c.1675T>C (p.Ser559Pro)

Gene: MOGS (mannosyl-oligosaccharide glucosidase; minus strand). Cytogenetic location: 2p13.1.
Variant type: single nucleotide variant.
Coding change: c.1675T>C on transcript NM_006302.3 (MANE Select); coding-DNA position 1675, T replaced by C.
Protein change: p.Ser559Pro; replaces serine 559 with proline.
Molecular consequence: missense variant.
Genome position (GRCh38, 1-based): chr2:74,462,114, A>G on the plus strand (T>C on the coding strand, the complement: MOGS is on the minus strand). VCF-style: chr2-74462114-A-G. GRCh37 (hg19) VCF-style: chr2-74689241-A-G.
Other names: c.1357T>C, p.Ser453Pro (NM_001146158.2); short protein forms S453P, S559P.
Identifiers: ClinVar variation 3373584 (VCV003373584.1).